The following is an entry in ClinVar:

ClinVar aggregate classification (germline): Uncertain significance. Review status: criteria provided, multiple submitters, no conflicts (2 of 4 stars). 6 submissions from 3 submitters: Uncertain significance (6). Last evaluated 2024-05-14.

Conditions:
Maturity-onset diabetes of the young (MODY). Also called: Maturity onset diabetes mellitus in young. Identifiers: Orphanet 552, MedGen C0342276, MONDO:0018911, HP:0004904.
Permanent neonatal diabetes mellitus (PNDM). Identifiers: Orphanet 99885, MedGen C1833104, MONDO:0100164, MONDO:0011643. Disease mechanism: gain of function.
Diabetes mellitus, permanent neonatal 3. Also called: ABCC8-Related Permanent Neonatal Diabetes Mellitus. Identifiers: MedGen C5394303, MONDO:0030088, OMIM 618857.
Diabetes mellitus, transient neonatal, 2 (TNDM2). Identifiers: Orphanet 99886, MedGen C1835887, MONDO:0012480, OMIM 610374. Disease mechanism: loss of function.
Type 2 diabetes mellitus. Also called: Type II diabetes mellitus. Identifiers: MedGen C0011860, MeSH D003924, MONDO:0005148, OMIM 125853, HP:0005978.
Hyperinsulinemic hypoglycemia, familial, 1 (HHF1). Also called: Persistent Hyperinsulinemia Hypoglycemia of Infancy; Persistent hyperinsulinemic hypoglycemia of infancy; HYPERINSULINISM, FAMILIAL, WITH PANCREATIC NESIDIOBLASTOSIS; HYPOGLYCEMIA, HYPERINSULINEMIC, OF INFANCY; NESIDIOBLASTOSIS OF PANCREAS. Identifiers: Orphanet 276575, Orphanet 276598, MedGen C2931832, MONDO:0009734, OMIM 256450.
Leucine-induced hypoglycemia (LIH). Also called: LEUCINE-SENSITIVE HYPOGLYCEMIA OF INFANCY. Identifiers: MedGen C0271714, MONDO:0009415, OMIM 240800.
Transitory neonatal diabetes mellitus. Also called: Transient neonatal diabetes mellitus. Identifiers: MedGen C0342273, MONDO:0020525, HP:0008255.

Allele frequency attached by ClinVar (database versions not stated): gnomAD exomes 0.00002 and 0.00001; TOPMed 0.00001; ExAC 0.00002.
gnomAD v4.1: 15 of 1,614,136 alleles (0.00093%); no homozygotes.

Submissions (6):

Fulgent Genetics
Classification: Uncertain significance for Type 2 diabetes mellitus; Leucine-induced hypoglycemia; Hyperinsulinemic hypoglycemia, familial, 1; Diabetes mellitus, transient neonatal, 2; Diabetes mellitus, permanent neonatal 3. Last evaluated: 2024-05-14. Review status: criteria provided, single submitter. Criteria: ACMG Guidelines, 2015. Collection method: clinical testing. Allele origin: germline.

Illumina Laboratory Services, Illumina
Classification: Uncertain significance for Diabetes mellitus, transient neonatal, 2. Last evaluated: 2017-04-28. Review status: criteria provided, single submitter. Criteria: ICSL Variant Classification Criteria 13 December 2019. Collection method: clinical testing. Allele origin: germline.

Illumina Laboratory Services, Illumina
Classification: Uncertain significance for Hyperinsulinemic hypoglycemia, familial, 1. Last evaluated: 2017-04-28. Review status: criteria provided, single submitter. Criteria: ICSL Variant Classification Criteria 13 December 2019. Collection method: clinical testing. Allele origin: germline.

Illumina Laboratory Services, Illumina
Classification: Uncertain significance for Permanent neonatal diabetes mellitus 1. Last evaluated: 2017-04-28. Review status: criteria provided, single submitter. Criteria: ICSL Variant Classification Criteria 13 December 2019. Collection method: clinical testing. Allele origin: germline.

Clinical Genomics, Uppaluri K&H Personalized Medicine Clinic
Classification: Uncertain significance for Maturity-onset diabetes of the young. Review status: criteria provided, single submitter. Criteria: K & H Uppaluri Personalized Medicine Clinic Variant Classification & Assertion Criteria_Updated V.1. Collection method: research. Allele origin: unknown. Inheritance: Somatic mutation.
Comment: Mutations in ABCC8 gene are associated with both neonatal diabetes mellitus as well as MODY. Patients with this mutation may have a better response to sulfonylureas. However, no sufficient evidence is found to ascertain the role of this particular variant (rs750165947) in MODY yet.

Clinical Genomics, Uppaluri K&H Personalized Medicine Clinic
Classification: Uncertain significance for Transitory neonatal diabetes mellitus. Review status: criteria provided, single submitter. Criteria: K & H Uppaluri Personalized Medicine Clinic Variant Classification & Assertion Criteria_Updated V.1. Collection method: research. Allele origin: unknown. Inheritance: Somatic mutation.
Comment: Mutations in ABCC8 gene are associated with both neonatal diabetes mellitus as well as MODY. Patients with this mutation may have a better response to sulfonylureas. However, no sufficient evidence is found to ascertain the role of this particular variant (rs750165947) in neonatal diabetes yet.

Literature cited by the submitters: PubMed 16885549 (cited by Clinical Genomics, Uppaluri K&H Personalized Medicine Clinic); PubMed 21989597 (cited by Clinical Genomics, Uppaluri K&H Personalized Medicine Clinic); PubMed 27538677 (cited by Clinical Genomics, Uppaluri K&H Personalized Medicine Clinic); PubMed 18981553 (cited by Clinical Genomics, Uppaluri K&H Personalized Medicine Clinic); PubMed 32027066 (cited by Clinical Genomics, Uppaluri K&H Personalized Medicine Clinic); PubMed 16613899 (cited by Clinical Genomics, Uppaluri K&H Personalized Medicine Clinic); PubMed 18025408 (cited by Clinical Genomics, Uppaluri K&H Personalized Medicine Clinic); PubMed 32792356 (cited by Clinical Genomics, Uppaluri K&H Personalized Medicine Clinic).

NM_000352.6(ABCC8):c.620C>T (p.Pro207Leu)

Gene: ABCC8 (ATP binding cassette subfamily C member 8; minus strand). Cytogenetic location: 11p15.1.
Variant type: single nucleotide variant.
Coding change: c.620C>T on transcript NM_000352.6 (MANE Select); coding-DNA position 620, C replaced by T.
Protein change: p.Pro207Leu; replaces proline 207 with leucine.
Molecular consequence: missense variant. On other transcripts: non-coding transcript variant (1).
Genome position (GRCh38, 1-based): chr11:17,461,785, G>A on the plus strand (C>T on the coding strand, the complement: ABCC8 is on the minus strand). VCF-style: chr11-17461785-G-A. GRCh37 (hg19) VCF-style: chr11-17483332-G-A.
Other names: c.620C>T, p.Pro207Leu (NM_001287174.3, NM_001351295.2, NM_001351296.2 and 1 more transcripts); short protein forms P207L.
Identifiers: ClinVar variation 878388 (VCV000878388.6), dbSNP rs750165947, ClinGen allele CA5903812.